The following is an entry in ClinVar:

NM_017534.6(MYH2):c.5210A>C (p.Glu1737Ala)

Genes: MYH2 (myosin heavy chain 2; minus strand), MYHAS (myosin heavy chain gene cluster antisense RNA; plus strand). Cytogenetic location: 17p13.1.
Variant type: single nucleotide variant.
Coding change: c.5210A>C on transcript NM_017534.6 (MANE Select); coding-DNA position 5210, A replaced by C.
Protein change: p.Glu1737Ala; replaces glutamic acid 1737 with alanine.
Molecular consequence: missense variant.
Genome position (GRCh38, 1-based): chr17:10,523,850, T>G on the plus strand (A>C on the coding strand, the complement: MYH2 is on the minus strand). VCF-style: chr17-10523850-T-G. GRCh37 (hg19) VCF-style: chr17-10427167-T-G.
Other names: c.5210A>C, p.Glu1737Ala (NM_001100112.2); short protein forms E1737A.
Identifiers: ClinVar variation 1425860 (VCV001425860.6), dbSNP rs760648896, ClinGen allele CA8390454.

ClinVar aggregate classification (germline): Uncertain significance (1 of 4 stars; one submission).

Conditions:
Myopathy, proximal, and ophthalmoplegia (CMYO6). Also called: INCLUSION BODY MYOPATHY 3, AUTOSOMAL DOMINANT; MYOPATHY WITH CONGENITAL JOINT CONTRACTURES, OPHTHALMOPLEGIA, AND RIMMED VACUOLES; CONGENITAL MYOPATHY 6 WITH OPHTHALMOPLEGIA. Identifiers: Orphanet 363677, Orphanet 79091, MedGen C1854106, MONDO:0011577, OMIM 605637.

Allele frequency attached by ClinVar (database versions not stated): gnomAD 0.00001; gnomAD exomes 0.00001 and 0.00004; ExAC 0.00002; TOPMed 0.00002.
gnomAD v4.1: 9 of 1,613,932 alleles (0.00056%); highest among the groups gnomAD compares: Admixed American, 0.015%; no homozygotes.

Submission:

Labcorp Genetics (formerly Invitae), Labcorp
Classification: Uncertain significance for Myopathy, proximal, and ophthalmoplegia. Last evaluated: 2021-07-30. Review status: criteria provided, single submitter. Criteria: Invitae Variant Classification Sherloc (09022015). Collection method: clinical testing. Allele origin: germline.
Comment: In summary, the available evidence is currently insufficient to determine the role of this variant in disease. Therefore, it has been classified as a Variant of Uncertain Significance. Algorithms developed to predict the effect of missense changes on protein structure and function (SIFT, PolyPhen-2, Align-GVGD) all suggest that this variant is likely to be disruptive. This variant has not been reported in the literature in individuals affected with MYH2-related conditions. This variant is present in population databases (rs760648896, ExAC 0.03%). This sequence change replaces glutamic acid with alanine at codon 1737 of the MYH2 protein (p.Glu1737Ala). The glutamic acid residue is highly conserved and there is a moderate physicochemical difference between glutamic acid and alanine.